The following is an entry in ClinVar:

ClinVar aggregate classification (germline): Conflicting classifications of pathogenicity. Review status: criteria provided, conflicting classifications (1 of 4 stars). 2 submissions from 2 submitters: Uncertain significance (1); Likely benign (1). Last evaluated 2023-03-23.

Conditions:
Hereditary cancer-predisposing syndrome. Also called: Hereditary neoplastic syndrome; Tumor predisposition; Neoplastic Syndromes, Hereditary; Hereditary Cancer Syndrome. Identifiers: Orphanet 140162, MedGen C0027672, MeSH D009386, MONDO:0015356.
Hereditary breast ovarian cancer syndrome. Also called: Hereditary breast and ovarian cancer; Hereditary breast and/or ovarian cancer syndrome; Breast and ovarian cancer; BRCA1- and BRCA2-Associated Hereditary Breast and Ovarian Cancer; Hereditary breast and ovarian cancer syndrome; Hereditary breast and ovarian cancer syndrome (HBOC). Identifiers: Orphanet 145, MedGen C0677776, MeSH D061325, MONDO:0003582. Disease mechanism: loss of function.

Submissions (2):

University of Washington Department of Laboratory Medicine, University of Washington
Classification: Likely benign for Hereditary cancer-predisposing syndrome. Last evaluated: 2023-03-23. Review status: criteria provided, single submitter. Criteria: Dines et al. (Genet Med. 2020). Collection method: curation. Allele origin: germline.
Comment: Missense variant in a coldspot region where missense variants are very unlikely to be pathogenic (PMID:31911673).

BRCA1 coldspot (exon 11 using historical exon numbering). Reclassification based on statistical prior probability

Labcorp Genetics (formerly Invitae), Labcorp
Classification: Uncertain significance for Hereditary breast ovarian cancer syndrome. Last evaluated: 2021-12-14. Review status: criteria provided, single submitter. Criteria: Invitae Variant Classification Sherloc (09022015). Collection method: clinical testing. Allele origin: germline.
Comment: In summary, the available evidence is currently insufficient to determine the role of this variant in disease. Therefore, it has been classified as a Variant of Uncertain Significance. Advanced modeling of protein sequence and biophysical properties (such as structural, functional, and spatial information, amino acid conservation, physicochemical variation, residue mobility, and thermodynamic stability) performed at Invitae indicates that this missense variant is not expected to disrupt BRCA1 protein function. This variant has not been reported in the literature in individuals affected with BRCA1-related conditions. This variant is not present in population databases (gnomAD no frequency). This sequence change replaces glutamic acid, which is acidic and polar, with aspartic acid, which is acidic and polar, at codon 554 of the BRCA1 protein (p.Glu554Asp).

NM_007294.4(BRCA1):c.1662G>T (p.Glu554Asp)

Gene: BRCA1 (BRCA1 DNA repair associated; minus strand). Cytogenetic location: 17q21.31.
Variant type: single nucleotide variant.
Coding change: c.1662G>T on transcript NM_007294.4 (MANE Select); coding-DNA position 1662, G replaced by T.
Protein change: p.Glu554Asp; replaces glutamic acid 554 with aspartic acid.
Molecular consequence: missense variant. On other transcripts: intron variant (137).
Genome position (GRCh38, 1-based): chr17:43,093,869, C>A on the plus strand (G>T on the coding strand, the complement: BRCA1 is on the minus strand). VCF-style: chr17-43093869-C-A. GRCh37 (hg19) VCF-style: chr17-41245886-C-A.
Other names: c.1449G>T, p.Glu483Asp (NM_001407571.1, NM_001407853.1, NM_001407894.1 and 9 more transcripts); c.1662G>T, p.Glu554Asp (NM_001407581.1, NM_001407582.1, NM_001407583.1 and 30 more transcripts); c.1659G>T, p.Glu553Asp (NM_001407587.1, NM_001407590.1, NM_001407591.1 and 22 more transcripts); c.1653G>T, p.Glu551Asp (NM_001407646.1, NM_001407647.1); c.1539G>T, p.Glu513Asp (NM_001407648.1, NM_001407664.1, NM_001407665.1 and 19 more transcripts); c.1536G>T, p.Glu512Asp (NM_001407649.1, NM_001407670.1, NM_001407671.1 and 11 more transcripts); c.1584G>T, p.Glu528Asp (NM_001407653.1, NM_001407654.1, NM_001407655.1 and 4 more transcripts); c.1581G>T, p.Glu527Asp (NM_001407659.1, NM_001407660.1, NM_001407661.1 and 1 more transcripts); and 40 more; short protein forms E554D, E507D, E258D, E513D, E551D, E427D, E487D, E512D.
Identifiers: ClinVar variation 1346052 (VCV001346052.9), dbSNP rs876659028, ClinGen allele CA10598711.
Genomic context (GRCh38, chr17:43,093,869, plus strand): 5'-GAGTGATTCTATTGGGTTAGGATTTTTCTCATTCTGAATAGAATCACCTTTTGTTTTATT[C>A]TCATGACCACTATTAGTAATATTCATCACTTGACCATTCTGCTCCGTTTGGTTAGTTCCC-3'
Protein context (NP_009225.1, residues 544-564): QVMNITNSGH[Glu554Asp]NKTKGDSIQN